The following is an entry in ClinVar:

NM_152513.4(MEI1):c.2339del (p.Pro780fs)

Gene: MEI1 (meiotic double-stranded break formation protein 1; plus strand). Cytogenetic location: 22q13.2.
Variant type: Deletion.
Coding change: c.2339del on transcript NM_152513.4 (MANE Select); coding-DNA position 2339, one base deleted (C; older notation c.2339delC).
Protein change: p.Pro780fs; shifts the reading frame from proline 780.
Molecular consequence: frameshift variant.
Genome position (GRCh38, 1-based): chr22:41,770,756, C deleted; the last of 2 consecutive C bases (chr22:41,770,755-41,770,756); deleting either gives the same sequence. VCF-style (leftmost placement, unchanged base first): chr22-41770754-TC-T. GRCh37 (hg19) VCF-style: chr22-42166758-TC-T.
Other names: p.Pro780Argfs*14; short protein forms P780fs.
Identifiers: ClinVar variation 4686563 (VCV004686563.1).

ClinVar aggregate classification (germline): Likely pathogenic (1 of 4 stars; one submission).

Conditions:
Hydatidiform mole, recurrent, 3. Identifiers: MedGen C5193093, MONDO:0032746, OMIM 618431.

Submission:

Department of Molecular Genetics, Istishari Arab Hospital
Classification: Likely pathogenic for Hydatidiform mole, recurrent, 3. Last evaluated: 2026-01-20. Review status: criteria provided, single submitter. Criteria: ACMG Guidelines, 2015. Collection method: clinical testing. Allele origin: germline. Inheritance: Autosomal recessive inheritance. Affected: yes.
Comment: The MEI1 variant c.2339del, p.Pro780Argfs*14 creates a shift in the reading frame at position 780, introducing a premature stop codon 14 amino acids downstream. This is predicted to result in a loss or disruption of normal protein function through nonsense-mediated decay (NMD) or protein truncation. This variant was not observed in the gnomAD v4.1.0 dataset and has not been previously described in the literature. It is classified as likely pathogenic based on recommendations of ACMG/AMP/ClinGen SVI guidelines.